The following is an entry in ClinVar:

ClinVar aggregate classification (germline): Conflicting classifications of pathogenicity. Review status: criteria provided, conflicting classifications (1 of 4 stars). 19 submissions from 19 submitters: Uncertain significance (3); Benign (2); Likely benign (10). 4 of the submissions do not count toward it. Last evaluated 2026-07-10.

Conditions:
Hereditary cancer-predisposing syndrome. Also called: Hereditary Cancer Syndrome; Tumor predisposition; Hereditary neoplastic syndrome; Neoplastic Syndromes, Hereditary. Identifiers: Orphanet 140162, MedGen C0027672, MeSH D009386, MONDO:0015356.
Hereditary breast ovarian cancer syndrome. Also called: Hereditary breast and/or ovarian cancer syndrome; Hereditary breast and ovarian cancer syndrome; Hereditary breast and ovarian cancer syndrome (HBOC); Hereditary breast and ovarian cancer; Breast and ovarian cancer; BRCA1- and BRCA2-Associated Hereditary Breast and Ovarian Cancer. Identifiers: Orphanet 145, MedGen C0677776, MeSH D061325, MONDO:0003582. Disease mechanism: loss of function.
BRCA2-related disorder. Also called: BRCA2-related condition; BRCA2-related disorders. Identifiers: MedGen CN239275.
Breast-ovarian cancer, familial, susceptibility to, 2 (BROVCA2). Also called: BRCA2 Hereditary Breast and Ovarian Cancer. Identifiers: Orphanet 145, MedGen C2675520, MONDO:0012933, OMIM 612555. Disease mechanism: loss of function.

Allele frequency attached by ClinVar (database versions not stated): ExAC 0.00006; gnomAD 0.00019; gnomAD exomes 0.00002 and 0.00006; ESP Exome Variant Server 0.00023; TOPMed 0.00023.
gnomAD v4.1: 64 of 1,614,182 alleles (0.004%); highest among the groups gnomAD compares: African/African-American, 0.077%; no homozygotes.

Submissions (19):

Institute for Biomarker Research, Medical Diagnostic Laboratories, L.L.C.
Classification: Benign for Hereditary breast ovarian cancer syndrome. Last evaluated: 2026-07-10. Review status: criteria provided, single submitter. Criteria: ACMG Guidelines, 2015. Collection method: clinical testing. Allele origin: germline.
Comment: The missense variant NM_000059.4(BRCA2):c.9770A>G (p.Lys3257Arg) is not currently classified as pathogenic in clinical sources (Accession: VCV000052897.87).There is a small physicochemical difference between lysine and arginine, which is not likely to impact secondary protein structure as these residues share similar properties. The p.Lys3257Arg variant is not predicted to introduce a novel splice site by any splice site algorithm. The p.Lys3257Arg missense variant is predicted to be tolerated by both SIFT or PolyPhen2. The arginine residue at codon 3257 of BRCA2 is present in Lesser Egyptian jerboa and 7 other mammalian species. The nucleotide c.9770 in BRCA2 is not conserved according to a GERP++ and PhyloP analysis of 100 vertebrates. For these reasons, this variant has been classified as Benign.

Labcorp Genetics (formerly Invitae), Labcorp
Classification: Likely benign for Hereditary breast ovarian cancer syndrome. Last evaluated: 2026-01-26. Review status: criteria provided, single submitter. Criteria: Invitae Variant Classification Sherloc (09022015). Collection method: clinical testing. Allele origin: germline.

Dasa
Classification: Likely benign for Breast-ovarian cancer, familial, susceptibility to, 2. Last evaluated: 2025-12-04. Review status: criteria provided, single submitter. Criteria: DASA Assertion Criteria. Collection method: clinical testing. Allele origin: germline.
Comment: NM_000059.4(BRCA2):c.9770A>G (p.Lys3257Arg) is a missense variant that results in the substitution of lysine with arginine. Based on the available data, this variant is classified as likely benign.

Women's Health and Genetics/Laboratory Corporation of America, LabCorp
Classification: Likely benign. Last evaluated: 2025-10-21. Review status: criteria provided, single submitter. Criteria: LabCorp Variant Classification Summary - May 2015. Collection method: clinical testing. Allele origin: germline.
Comment: Variant summary: BRCA2 c.9770A>G (p.Lys3257Arg) results in a conservative amino acid change in the encoded protein sequence. Algorithms developed to predict the effect of missense changes on protein structure and function all suggest that this variant is likely to be tolerated. The variant allele was found at a frequency of 6e-05 in 251422 control chromosomes, predominantly at a frequency of 0.0008 within the African or African-American subpopulation in the gnomAD database. The observed variant frequency within African or African-American control individuals in the gnomAD database is approximately 1.026 fold of the estimated maximal expected allele frequency for a pathogenic variant in BRCA2 causing Hereditary Breast And Ovarian Cancer Syndrome phenotype (0.00075), strongly suggesting that the variant is a benign polymorphism found primarily in populations of African or African-American origin. c.9770A>G has been observed in individuals affected with Hereditary Breast and Ovarian Cancer without strong evidence for causality (Fackenthal_2012, Pal_2013). These reports do not provide unequivocal conclusions about association of the variant with Hereditary Breast And Ovarian Cancer Syndrome. Several co-occurrences with other pathogenic variants have been observed at our laboratory (BRCA2 c.4712_4713delAG, p.Glu1571fsX3; BRCA2 c.6155dupC, p.Ser2053fsX7; BRCA2 c.2186_2187delTC, p.Ile729LysfsX21), providing supporting evidence for a benign role of this variant. To our knowledge, no experimental evidence demonstrating an impact on protein function has been reported. The following publications have been ascertained in the context of this evaluation (PMID: 22034289, 23555315, 23320992, 9971877, 26580448). ClinVar contains an entry for this variant (Variation ID: 52897). Based on the evidence outlined above, the variant was classified as likely benign.

Center for Genomic Medicine, Rigshospitalet, Copenhagen University Hospital
Classification: Likely benign. Last evaluated: 2025-03-04. Review status: criteria provided, single submitter. Criteria: ACMG Guidelines, 2015. Collection method: clinical testing. Allele origin: germline.
Comment: Classification criteria: BP1_Strong

ARUP Laboratories, Molecular Genetics and Genomics, ARUP Laboratories
Classification: Likely benign. Last evaluated: 2025-01-29. Review status: criteria provided, single submitter. Criteria: ARUP Molecular Germline Variant Investigation Process 2024. Collection method: clinical testing. Allele origin: germline.

National Health Laboratory Service, Universitas Academic Hospital and University of the Free State
Classification: Likely benign for Hereditary breast ovarian cancer syndrome. Last evaluated: 2021-11-16. Review status: criteria provided, single submitter. Criteria: ACMG Guidelines, 2015. Collection method: clinical testing. Allele origin: germline. Affected: yes. Observed: 1 variant allele.

Genetics Program, Instituto Nacional de Cancer
Classification: Uncertain significance for Hereditary breast ovarian cancer syndrome. Last evaluated: 2021-11-01. Review status: criteria provided, single submitter. Criteria: ACMG Guidelines, 2015. Collection method: research. Allele origin: germline. Affected: yes.

Sema4
Classification: Likely benign for Hereditary cancer-predisposing syndrome. Last evaluated: 2021-10-28. Review status: criteria provided, single submitter. Criteria: Sema4 Curation Guidelines. Collection method: curation. Allele origin: germline.

Laboratory for Molecular Medicine, Mass General Brigham Personalized Medicine
Classification: Likely benign. Last evaluated: 2021-08-13. Review status: criteria provided, single submitter. Criteria: ACMG Guidelines, 2015. Collection method: clinical testing. Allele origin: germline.
Comment: The p.Lys3257Arg variant in BRCA2 is classified as likely benign because it has been identified in 0.072% (18/24972) of African chromosomes by gnomAD. In addition, computational prediction tools predict that this variant does not impact the protein. ACMG/AMP Criteria applied: BS1, BP4.

Genetic Services Laboratory, University of Chicago
Classification: Uncertain significance. Last evaluated: 2021-02-26. Review status: criteria provided, single submitter. Criteria: ACMG Guidelines, 2015. Collection method: clinical testing. Allele origin: germline. Affected: no.

Mendelics
Classification: Uncertain significance for Breast-ovarian cancer, familial, susceptibility to, 2. Last evaluated: 2019-05-28. Review status: criteria provided, single submitter. Criteria: Mendelics Assertion Criteria 2017. Collection method: clinical testing. Allele origin: unknown.

GeneDx
Classification: Likely benign. Last evaluated: 2019-02-08. Review status: criteria provided, single submitter. Criteria: GeneDx Variant Classification Process June 2021. Collection method: clinical testing. Allele origin: germline. Affected: yes.
Comment: This variant is associated with the following publications: (PMID: 10923033, 26580448, 24817641, 23555315, 23320992, 22034289, 9971877)

Ambry Genetics
Classification: Likely benign for Hereditary cancer-predisposing syndrome. Last evaluated: 2018-12-18. Review status: criteria provided, single submitter. Criteria: Ambry Variant Classification Scheme 2023. Collection method: clinical testing. Allele origin: germline.

Color Diagnostics, LLC DBA Color Health
Classification: Benign for Hereditary cancer-predisposing syndrome. Last evaluated: 2016-04-22. Review status: criteria provided, single submitter. Criteria: ACMG Guidelines, 2015. Collection method: clinical testing. Allele origin: germline.

PreventionGenetics, part of Exact Sciences
Classification: Likely benign for BRCA2-related condition. Last evaluated: 2023-05-17. Review status: no assertion criteria provided. Collection method: clinical testing. Allele origin: germline. Not counted in ClinVar's aggregate classification.
Comment: This variant is classified as likely benign based on ACMG/AMP sequence variant interpretation guidelines (Richards et al. 2015 PMID: 25741868, with internal and published modifications).

Counsyl
Classification: Uncertain significance for Breast-ovarian cancer, familial, susceptibility to, 2. Last evaluated: 2016-10-18. Review status: no assertion criteria provided. Collection method: clinical testing. Allele origin: unknown. Not counted in ClinVar's aggregate classification.

Sharing Clinical Reports Project (SCRP)
Classification: Uncertain significance for Breast-ovarian cancer, familial 2. Last evaluated: 2009-08-12. Review status: no assertion criteria provided. Collection method: clinical testing. Allele origin: germline. Not counted in ClinVar's aggregate classification.

Breast Cancer Information Core (BIC) (BRCA2)
Classification: Uncertain significance for Breast-ovarian cancer, familial 2. Last evaluated: 2004-02-20. Review status: no assertion criteria provided. Collection method: clinical testing. Allele origin: germline, unknown. Affected: yes. Observed: 7 variant alleles. Not counted in ClinVar's aggregate classification.

Literature cited by the submitters: PubMed 9971877 (cited by 3 submitters); PubMed 22034289 (cited by 4 submitters); PubMed 23555315 (cited by Women's Health and Genetics/Laboratory Corporation of America, LabCorp and Counsyl); PubMed 23320992 (cited by Women's Health and Genetics/Laboratory Corporation of America, LabCorp and Sema4); PubMed 26580448 (cited by 3 submitters); DOI 10.3389/fgene.2022.834265 (cited by National Health Laboratory Service, Universitas Academic Hospital and University of the Free State); PubMed 36329109 (cited by Genetics Program, Instituto Nacional de Cancer); PubMed 25186627 (cited by Sema4); PubMed 29684080 (cited by Sema4); PubMed 24817641 (cited by Counsyl).

NM_000059.4(BRCA2):c.9770A>G (p.Lys3257Arg)

Gene: BRCA2 (BRCA2 DNA repair associated; plus strand). Cytogenetic location: 13q13.1.
Variant type: single nucleotide variant.
Coding change: c.9770A>G on transcript NM_000059.4 (MANE Select); coding-DNA position 9770, A replaced by G.
Protein change: p.Lys3257Arg; replaces lysine 3257 with arginine.
Molecular consequence: missense variant.
Genome position (GRCh38, 1-based): chr13:32,398,283, A>G. VCF-style: chr13-32398283-A-G. GRCh37 (hg19) VCF-style: chr13-32972420-A-G.
Other names: p.K3257R:AAA>AGA; NP_000050.3:p.Lys3257Arg; 9998A>G; short protein forms K3257R.
Identifiers: ClinVar variation 52897 (VCV000052897.88), dbSNP rs55847618, ClinGen allele CA026294.